The following is an entry in ClinVar:

ClinVar aggregate classification (germline): Conflicting classifications of pathogenicity. Review status: criteria provided, conflicting classifications (1 of 4 stars). 4 submissions from 4 submitters: Uncertain significance (2); Likely benign (2). Last evaluated 2025-05-15.

Conditions:
Inborn genetic diseases. Identifiers: MedGen C0950123, MeSH D030342.

Allele frequency attached by ClinVar (database versions not stated): ExAC 0.00001; gnomAD 0.00002; TOPMed 0.00003.
gnomAD v4.1: 17 of 1,606,762 alleles (0.0011%); highest among the groups gnomAD compares: Admixed American, 0.029%; no homozygotes.

Submissions (4):

Ambry Genetics
Classification: Uncertain significance for Inborn genetic diseases. Last evaluated: 2025-05-15. Review status: criteria provided, single submitter. Criteria: Ambry Variant Classification Scheme 2023. Collection method: clinical testing. Allele origin: germline.

Labcorp Genetics (formerly Invitae), Labcorp
Classification: Uncertain significance. Last evaluated: 2022-04-13. Review status: criteria provided, single submitter. Criteria: Invitae Variant Classification Sherloc (09022015). Collection method: clinical testing. Allele origin: germline.
Comment: This sequence change replaces glutamic acid, which is acidic and polar, with aspartic acid, which is acidic and polar, at codon 40 of the CEP78 protein (p.Glu40Asp). This variant is present in population databases (rs746861398, gnomAD 0.03%). This variant has not been reported in the literature in individuals affected with CEP78-related conditions. ClinVar contains an entry for this variant (Variation ID: 667090). Algorithms developed to predict the effect of missense changes on protein structure and function output the following: SIFT: "Tolerated"; PolyPhen-2: "Benign"; Align-GVGD: "Class C0". The aspartic acid amino acid residue is found in multiple mammalian species, which suggests that this missense change does not adversely affect protein function. In summary, the available evidence is currently insufficient to determine the role of this variant in disease. Therefore, it has been classified as a Variant of Uncertain Significance.

Blueprint Genetics
Classification: Likely benign. Last evaluated: 2021-09-14. Review status: criteria provided, single submitter. Criteria: ACMG Guidelines, 2015. Collection method: clinical testing. Allele origin: germline.

Laboratory for Molecular Medicine, Mass General Brigham Personalized Medicine
Classification: Likely benign. Last evaluated: 2018-05-18. Review status: criteria provided, single submitter. Criteria: LMM Criteria. Collection method: clinical testing. Allele origin: germline. Observed: 1 variant allele.
Comment: p.Glu40Asp in exon 1 of CEP78: This variant is not expected to have clinical sig nificance due to a lack of conservation across species, including mammals. Of no te, 4 mammals have an aspartic acid (Asp) at this position despite high nearby a mino acid conservation. In addition, computational prediction tools do not sugge st a high likelihood of impact to the protein. ACMG/AMP criteria applied: BP4_St rong.

NM_001330691.3(CEP78):c.120G>C (p.Glu40Asp)

Gene: CEP78 (centrosomal protein 78; plus strand). Cytogenetic location: 9q21.2.
Variant type: single nucleotide variant.
Coding change: c.120G>C on transcript NM_001330691.3 (MANE Select); coding-DNA position 120, G replaced by C.
Protein change: p.Glu40Asp; replaces glutamic acid 40 with aspartic acid.
Molecular consequence: missense variant.
Genome position (GRCh38, 1-based): chr9:78,236,470, G>C. VCF-style: chr9-78236470-G-C. GRCh37 (hg19) VCF-style: chr9-80851386-G-C.
Other names: c.120G>C, p.Glu40Asp (NM_001098802.3, NM_001330693.3, NM_001330694.2 and 4 more transcripts); c.120G>C (NM_001098802.1); short protein forms E40D.
Identifiers: ClinVar variation 667090 (VCV000667090.10), dbSNP rs746861398, ClinGen allele CA5094813.